The following is an entry in ClinVar:

NM_024334.3(TMEM43):c.1002G>A (p.Val334=)

Gene: TMEM43 (transmembrane protein 43; plus strand). Cytogenetic location: 3p25.1.
Variant type: single nucleotide variant.
Coding change: c.1002G>A on transcript NM_024334.3 (MANE Select); coding-DNA position 1002, G replaced by A.
Protein change: p.Val334=; no amino-acid change (valine 334 retained).
Molecular consequence: synonymous variant.
Genome position (GRCh38, 1-based): chr3:14,141,594, G>A. VCF-style: chr3-14141594-G-A. GRCh37 (hg19) VCF-style: chr3-14183094-G-A.
Other names: c.1005G>A, p.Val335= (NM_001407274.1); c.999G>A, p.Val333= (NM_001407275.1, NM_001407276.1); c.996G>A, p.Val332= (NM_001407277.1); c.987G>A, p.Val329= (NM_001407278.1); c.927G>A, p.Val309= (NM_001407279.1); c.852G>A, p.Val284= (NM_001407280.1).
Identifiers: ClinVar variation 3075113 (VCV003075113.1), dbSNP rs1695246493, ClinGen allele CA432552804.

ClinVar aggregate classification (germline): Uncertain significance (1 of 4 stars; one submission).

Conditions:
Arrhythmogenic right ventricular dysplasia 5. Also called: Arrhythmogenic Right Ventricular Dysplasia/Cardiomyopathy 5; ARRHYTHMOGENIC RIGHT VENTRICULAR DYSPLASIA, FAMILIAL, 5. Identifiers: MedGen C1858379, MONDO:0011459, OMIM 604400.

Submission:

All of Us Research Program, National Institutes of Health
Classification: Uncertain significance for Arrhythmogenic right ventricular dysplasia 5. Last evaluated: 2023-12-18. Review status: criteria provided, single submitter. Criteria: ACMG Guidelines, 2015. Collection method: clinical testing. Allele origin: germline. Inheritance: Autosomal dominant inheritance. Observed: 1 variant allele, 1 heterozygote.
Comment: This variant is located in the TMEM43 protein. To our knowledge, functional studies have not been reported for this variant. This variant has not been reported in individuals affected with TMEM43-related disorders in the literature. This variant has not been identified in the general population by the Genome Aggregation Database (gnomAD). The available evidence is insufficient to determine the role of this variant in disease conclusively. Therefore, this variant is classified as a Variant of Uncertain Significance.

This study involves interpretation of variants in research participants for the purpose of population health screening. Participant phenotype was not available at the time of variant classification. Additional details can be found in publication PMID: 35346344, PMCID: PMC8962531